The following is an entry in ClinVar:

NM_000823.4(GHRHR):c.461_462del (p.Leu154fs)

Gene: GHRHR (growth hormone releasing hormone receptor; plus strand). Cytogenetic location: 7p14.3.
Variant type: Microsatellite.
Coding change: c.461_462del on transcript NM_000823.4 (MANE Select); coding-DNA positions 461 to 462, 2 bases deleted (TC; older notation c.461_462delTC).
Protein change: p.Leu154fs; shifts the reading frame from leucine 154.
Molecular consequence: frameshift variant.
Genome position (GRCh38, 1-based): chr7:30,971,213-30,971,214, TC deleted; deleting any 2 consecutive bases within chr7:30,971,210-30,971,214 gives the same sequence; the c. name uses the placement nearest the transcript's 3' end. VCF-style (leftmost placement, unchanged base first): chr7-30971209-GCT-G. GRCh37 (hg19) VCF-style: chr7-31010824-GCT-G.
Other names: short protein forms L154fs.
Identifiers: ClinVar variation 2811869 (VCV002811869.3), dbSNP rs2535098305, ClinGen allele CA2578860389.

ClinVar aggregate classification (germline): Pathogenic (1 of 4 stars; one submission).

Submission:

Labcorp Genetics (formerly Invitae), Labcorp
Classification: Pathogenic. Last evaluated: 2022-11-03. Review status: criteria provided, single submitter. Criteria: Invitae Variant Classification Sherloc (09022015). Collection method: clinical testing. Allele origin: germline.
Comment: For these reasons, this variant has been classified as Pathogenic. This variant has not been reported in the literature in individuals affected with GHRHR-related conditions. This variant is not present in population databases (gnomAD no frequency). This sequence change creates a premature translational stop signal (p.Leu154Glnfs*39) in the GHRHR gene. It is expected to result in an absent or disrupted protein product. Loss-of-function variants in GHRHR are known to be pathogenic (PMID: 12444890, 16355809).

Literature cited by the submitters: PubMed 12444890; PubMed 16355809.